The following is an entry in ClinVar:

ClinVar aggregate classification (germline): Likely benign. Review status: criteria provided, multiple submitters, no conflicts (2 of 4 stars). 3 submissions from 3 submitters: Likely benign (2). 1 of the submissions does not count toward it. Last evaluated 2025-11-19.

Conditions:
MYH7B-related disorder. Also called: MYH7B-related condition.

Allele frequency attached by ClinVar (database versions not stated): 1000 Genomes Project 0.00240; TOPMed 0.00250; gnomAD exomes 0.00254; gnomAD 0.00261 and 0.00264; ExAC 0.00271; 1000 Genomes Project 30x 0.00281; ESP Exome Variant Server 0.00281.
gnomAD v4.1: 5,893 of 1,611,518 alleles (0.37%); highest among the groups gnomAD compares: Non-Finnish European, 0.44%; 17 homozygotes.

Submissions (3):

Labcorp Genetics (formerly Invitae), Labcorp
Classification: Likely benign. Last evaluated: 2025-11-19. Review status: criteria provided, single submitter. Criteria: Invitae Variant Classification Sherloc (09022015). Collection method: clinical testing. Allele origin: germline.

Breakthrough Genomics
Classification: Likely benign. Review status: criteria provided, single submitter. Criteria: ACMG Guidelines, 2015. Collection method: not provided. Allele origin: germline. Inheritance: Unknown mechanism. Affected: yes.

PreventionGenetics, part of Exact Sciences
Classification: Likely benign for MYH7B-related condition. Last evaluated: 2024-08-07. Review status: no assertion criteria provided. Collection method: clinical testing. Allele origin: germline. Not counted in ClinVar's aggregate classification.
Comment: This variant is classified as likely benign based on ACMG/AMP sequence variant interpretation guidelines (Richards et al. 2015 PMID: 25741868, with internal and published modifications).

NM_020884.7(MYH7B):c.198G>T (p.Lys66Asn)

Gene: MYH7B (myosin heavy chain 7B; plus strand). Cytogenetic location: 20q11.22.
Variant type: single nucleotide variant.
Coding change: c.198G>T on transcript NM_020884.7 (MANE Select); coding-DNA position 198, G replaced by T.
Protein change: p.Lys66Asn; replaces lysine 66 with asparagine.
Molecular consequence: missense variant.
Genome position (GRCh38, 1-based): chr20:34,979,496, G>T. VCF-style: chr20-34979496-G-T. GRCh37 (hg19) VCF-style: chr20-33567299-G-T.
Other names: c.324G>T (NM_020884.4); short protein forms K66N.
Identifiers: ClinVar variation 1537189 (VCV001537189.11), dbSNP rs41309316, ClinGen allele CA9826338.
Genomic context (GRCh38, chr20:34,979,496, plus strand): 5'-GGCCGAGGTCAAGTCGGAGGCTACCGGGGGCAGAGTCACCGTGGAGACCAAAGACCAGAA[G>T]GTTCCGTTCCCCCTTTCCTGAGATTAGCCTCTCTGTCCCTAGGCCTCCTGGCCAACAGGA-3'
Protein context (NP_065935.4, residues 56-76): GRVTVETKDQ[Lys66Asn]VLMVREAELQ